The following is an entry in ClinVar:

ClinVar aggregate classification (germline): Uncertain significance. Review status: criteria provided, multiple submitters, no conflicts (2 of 4 stars). 2 submissions from 2 submitters: Uncertain significance (2). Last evaluated 2024-11-13.

Conditions:
Rhabdoid tumor predisposition syndrome 2 (RTPS2). Identifiers: Orphanet 231108, Orphanet 69077, MedGen C2750074, MONDO:0013224, OMIM 613325.
Hereditary cancer-predisposing syndrome. Also called: Hereditary neoplastic syndrome; Hereditary Cancer Syndrome; Tumor predisposition; Neoplastic Syndromes, Hereditary. Identifiers: Orphanet 140162, MedGen C0027672, MeSH D009386, MONDO:0015356.

Submissions (2):

Ambry Genetics
Classification: Uncertain significance for Hereditary cancer-predisposing syndrome. Last evaluated: 2024-11-13. Review status: criteria provided, single submitter. Criteria: Ambry Variant Classification Scheme 2023. Collection method: clinical testing. Allele origin: germline.
Comment: The p.R513W variant (also known as c.1537C>T), located in coding exon 8 of the SMARCA4 gene, results from a C to T substitution at nucleotide position 1537. The arginine at codon 513 is replaced by tryptophan, an amino acid with dissimilar properties. This amino acid position is highly conserved in available vertebrate species. In addition, the in silico prediction for this alteration is inconclusive. Based on the available evidence, the clinical significance of this variant remains unclear.

Labcorp Genetics (formerly Invitae), Labcorp
Classification: Uncertain significance for Rhabdoid tumor predisposition syndrome 2. Last evaluated: 2024-10-13. Review status: criteria provided, single submitter. Criteria: Invitae Variant Classification Sherloc (09022015). Collection method: clinical testing. Allele origin: germline.
Comment: This sequence change replaces arginine, which is basic and polar, with tryptophan, which is neutral and slightly polar, at codon 513 of the SMARCA4 protein (p.Arg513Trp). This variant is not present in population databases (gnomAD no frequency). This variant has not been reported in the literature in individuals affected with SMARCA4-related conditions. ClinVar contains an entry for this variant (Variation ID: 1523217). Invitae Evidence Modeling of protein sequence and biophysical properties (such as structural, functional, and spatial information, amino acid conservation, physicochemical variation, residue mobility, and thermodynamic stability) indicates that this missense variant is expected to disrupt SMARCA4 protein function with a positive predictive value of 95%. In summary, the available evidence is currently insufficient to determine the role of this variant in disease. Therefore, it has been classified as a Variant of Uncertain Significance.

NM_003072.5(SMARCA4):c.1537C>T (p.Arg513Trp)

Gene: SMARCA4 (SWI/SNF related BAF chromatin remodeling complex subunit ATPase 4; plus strand). Cytogenetic location: 19p13.2.
Variant type: single nucleotide variant.
Coding change: c.1537C>T on transcript NM_003072.5 (MANE Select); coding-DNA position 1537, C replaced by T.
Protein change: p.Arg513Trp; replaces arginine 513 with tryptophan.
Molecular consequence: missense variant. On other transcripts: non-coding transcript variant (1).
Genome position (GRCh38, 1-based): chr19:10,994,945, C>T. VCF-style: chr19-10994945-C-T. GRCh37 (hg19) VCF-style: chr19-11105621-C-T.
Other names: c.1537C>T (NM_001128849.1); c.1537C>T, p.Arg513Trp (NM_001128844.3, NM_001128845.2, NM_001128846.2 and 5 more transcripts); short protein forms R513W.
Identifiers: ClinVar variation 1523217 (VCV001523217.9), dbSNP rs1207620630, ClinGen allele CA404062209.